The following is an entry in ClinVar:

ClinVar aggregate classification (germline): Uncertain significance (1 of 4 stars; one submission).

Conditions:
Hypophosphatasia. Also called: Phosphoethanol-aminuria. Identifiers: Orphanet 436, MedGen C0020630, MeSH D007014, MONDO:0018570.

gnomAD v4.1: 1 of 1,614,234 alleles (0.000062%); highest among the groups gnomAD compares: Non-Finnish European, 0.000085%; no homozygotes.

Submission:

Genomenon, Inc
Classification: Uncertain significance for Hypophosphatasia. Last evaluated: 2026-09-01. Review status: criteria provided, single submitter. Criteria: Genomenon Sequence Variant Interpretation Standards - Updated. Collection method: curation. Allele origin: germline. Affected: yes.
Comment: ALPL p.Gly392Ala (c.1175G>C) is a missense variant that changes the amino acid at codon 392 from Glycine to Alanine. This variant has been observed in at least one proband affected with an ALPL-related disorder (PMID:32160374). It is absent or not present at a significant frequency in gnomAD. In silico models predict that this variant is possibly or probably damaging. In conclusion, we classify ALPL p.Gly392Ala (c.1175G>C) as a variant of uncertain significance.

Literature cited by the submitters: PubMed 32160374.

NM_000478.6(ALPL):c.1175G>C (p.Gly392Ala)

Gene: ALPL (alkaline phosphatase, biomineralization associated; plus strand). Cytogenetic location: 1p36.12.
Variant type: single nucleotide variant.
Coding change: c.1175G>C on transcript NM_000478.6 (MANE Select); coding-DNA position 1175, G replaced by C.
Protein change: p.Gly392Ala; replaces glycine 392 with alanine.
Molecular consequence: missense variant.
Genome position (GRCh38, 1-based): chr1:21,575,910, G>C. VCF-style: chr1-21575910-G-C. GRCh37 (hg19) VCF-style: chr1-21902403-G-C.
Other names: c.1010G>C, p.Gly337Ala (NM_001127501.4); c.944G>C, p.Gly315Ala (NM_001177520.3); c.1175G>C, p.Gly392Ala (NM_001369803.2, NM_001369804.2, NM_001369805.2); short protein forms G315A, G337A, G392A.
Identifiers: ClinVar variation 4974788 (VCV004974788.1).